The following is an entry in ClinVar:

NM_003680.4(YARS1):c.205-2A>G

Gene: YARS1 (tyrosyl-tRNA synthetase 1; minus strand). Cytogenetic location: 1p35.1.
Variant type: single nucleotide variant.
Coding change: c.205-2A>G on transcript NM_003680.4 (MANE Select); the canonical splice acceptor site of the intron before coding-DNA position 205, A replaced by G.
Molecular consequence: splice acceptor variant.
Genome position (GRCh38, 1-based): chr1:32,810,768, T>C on the plus strand (A>G on the coding strand, the complement: YARS1 is on the minus strand). VCF-style: chr1-32810768-T-C. GRCh37 (hg19) VCF-style: chr1-33276369-T-C.
Identifiers: ClinVar variation 533463 (VCV000533463.8), dbSNP rs538137948, ClinGen allele CA20294760.

ClinVar aggregate classification (germline): Uncertain significance (1 of 4 stars; one submission).

Conditions:
Charcot-Marie-Tooth disease dominant intermediate C (CMTDIC). Also called: CHARCOT-MARIE-TOOTH NEUROPATHY, DOMINANT INTERMEDIATE C. Identifiers: Orphanet 100045, MedGen C1842237, MONDO:0012012, OMIM 608323.

Allele frequency attached by ClinVar (database versions not stated): gnomAD exomes below 0.00001.
gnomAD v4.1: 1 of 1,614,192 alleles (0.000062%); highest among the groups gnomAD compares: Non-Finnish European, 0.000085%; no homozygotes.

Submission:

Labcorp Genetics (formerly Invitae), Labcorp
Classification: Uncertain significance for Charcot-Marie-Tooth disease dominant intermediate C. Last evaluated: 2022-02-04. Review status: criteria provided, single submitter. Criteria: Invitae Variant Classification Sherloc (09022015). Collection method: clinical testing. Allele origin: germline.
Comment: This sequence change affects an acceptor splice site in intron 2 of the YARS gene. It is expected to disrupt RNA splicing. Variants that disrupt the donor or acceptor splice site typically lead to a loss of protein function (PMID: 16199547), however the current clinical and genetic evidence is not sufficient to establish whether loss-of-function variants in YARS cause disease. This variant is not present in population databases (gnomAD no frequency). This variant has not been reported in the literature in individuals affected with YARS-related conditions. ClinVar contains an entry for this variant (Variation ID: 533463). Algorithms developed to predict the effect of sequence changes on RNA splicing suggest that this variant may disrupt the consensus splice site. In summary, the available evidence is currently insufficient to determine the role of this variant in disease. Therefore, it has been classified as a Variant of Uncertain Significance.

Literature cited by the submitters: PubMed 16199547.